The following is an entry in ClinVar:

ClinVar aggregate classification (germline): Uncertain significance (1 of 4 stars; one submission).

Conditions:
Mitochondrial complex II deficiency, nuclear type 1. Also called: SUCCINATE CoQ REDUCTASE DEFICIENCY. Identifiers: Orphanet 3208, MedGen C5700310, MONDO:0100294, OMIM 252011.
Pheochromocytoma/paraganglioma syndrome 5. Also called: Paragangliomas 5; SDHA-Related Hereditary Paraganglioma-Pheochromocytoma Syndrome. Identifiers: Orphanet 29072, MedGen C3279992, MONDO:0013602, OMIM 614165.

Submission:

Labcorp Genetics (formerly Invitae), Labcorp
Classification: Uncertain significance for Pheochromocytoma/paraganglioma syndrome 5; Mitochondrial complex II deficiency, nuclear type 1. Last evaluated: 2024-02-23. Review status: criteria provided, single submitter. Criteria: Invitae Variant Classification Sherloc (09022015). Collection method: clinical testing. Allele origin: germline.
Comment: This sequence change replaces valine, which is neutral and non-polar, with alanine, which is neutral and non-polar, at codon 481 of the SDHA protein (p.Val481Ala). This variant is not present in population databases (gnomAD no frequency). This variant has not been reported in the literature in individuals affected with SDHA-related conditions. Advanced modeling of protein sequence and biophysical properties (such as structural, functional, and spatial information, amino acid conservation, physicochemical variation, residue mobility, and thermodynamic stability) performed at Invitae indicates that this missense variant is not expected to disrupt SDHA protein function with a negative predictive value of 95%. In summary, the available evidence is currently insufficient to determine the role of this variant in disease. Therefore, it has been classified as a Variant of Uncertain Significance.

NM_004168.4(SDHA):c.1442T>C (p.Val481Ala)

Gene: SDHA (succinate dehydrogenase complex flavoprotein subunit A; plus strand). Cytogenetic location: 5p15.33.
Variant type: single nucleotide variant.
Coding change: c.1442T>C on transcript NM_004168.4 (MANE Select); coding-DNA position 1442, T replaced by C.
Protein change: p.Val481Ala; replaces valine 481 with alanine.
Molecular consequence: missense variant.
Genome position (GRCh38, 1-based): chr5:240,367, T>C. VCF-style: chr5-240367-T-C. GRCh37 (hg19) VCF-style: chr5-240482-T-C.
Other names: c.1298T>C, p.Val433Ala (NM_001294332.2); c.1442T>C, p.Val481Ala (NM_001330758.2); short protein forms V433A, V481A.
Identifiers: ClinVar variation 3754202 (VCV003754202.2).